The following is an entry in ClinVar:

ClinVar aggregate classification (germline): Uncertain significance (1 of 4 stars; one submission).

Conditions:
Microphthalmia, isolated, with coloboma 6 (MCOPCB6). Also called: MICROPHTHALMIA/COLOBOMA 6; Microphthalmia with coloboma 6, digenic; Microphthalmia with coloboma 6. Identifiers: Orphanet 98938, MedGen C3150968, MONDO:0013376, OMIM 613703.
Leber congenital amaurosis 17 (LCA17). Identifiers: Orphanet 65, MedGen C3715164, MONDO:0014145, OMIM 615360.
Isolated microphthalmia 4. Identifiers: Orphanet 2542, MedGen C2751307, MONDO:0013130, OMIM 613094.
Klippel-Feil syndrome 1, autosomal dominant (KFS1). Also called: CERVICAL VERTEBRAL FUSION, AUTOSOMAL DOMINANT. Identifiers: Orphanet 2345, MedGen C1861689, MONDO:0007306, OMIM 118100.

Submission:

Labcorp Genetics (formerly Invitae), Labcorp
Classification: Uncertain significance for Isolated microphthalmia 4; Leber congenital amaurosis 17; Klippel-Feil syndrome 1, autosomal dominant; Microphthalmia, isolated, with coloboma 6. Last evaluated: 2024-09-03. Review status: criteria provided, single submitter. Criteria: Invitae Variant Classification Sherloc (09022015). Collection method: clinical testing. Allele origin: germline.
Comment: This sequence change replaces glutamic acid, which is acidic and polar, with alanine, which is neutral and non-polar, at codon 74 of the GDF6 protein (p.Glu74Ala). This variant is not present in population databases (gnomAD no frequency). This variant has not been reported in the literature in individuals affected with GDF6-related conditions. An algorithm developed to predict the effect of missense changes on protein structure and function (PolyPhen-2) suggests that this variant is likely to be tolerated. In summary, the available evidence is currently insufficient to determine the role of this variant in disease. Therefore, it has been classified as a Variant of Uncertain Significance.

NM_001001557.4(GDF6):c.221A>C (p.Glu74Ala)

Gene: GDF6 (growth differentiation factor 6; minus strand). Cytogenetic location: 8q22.1.
Variant type: single nucleotide variant.
Coding change: c.221A>C on transcript NM_001001557.4 (MANE Select); coding-DNA position 221, A replaced by C.
Protein change: p.Glu74Ala; replaces glutamic acid 74 with alanine.
Molecular consequence: missense variant.
Genome position (GRCh38, 1-based): chr8:96,160,472, T>G on the plus strand (A>C on the coding strand, the complement: GDF6 is on the minus strand). VCF-style: chr8-96160472-T-G. GRCh37 (hg19) VCF-style: chr8-97172700-T-G.
Other names: short protein forms E74A.
Identifiers: ClinVar variation 3757956 (VCV003757956.2).